The following is an entry in ClinVar:

NM_001277115.2(DNAH11):c.10379C>T (p.Thr3460Met)

Gene: DNAH11 (dynein axonemal heavy chain 11; plus strand). Cytogenetic location: 7p15.3.
Variant type: single nucleotide variant.
Coding change: c.10379C>T on transcript NM_001277115.2 (MANE Select); coding-DNA position 10379, C replaced by T.
Protein change: p.Thr3460Met; replaces threonine 3460 with methionine.
Molecular consequence: missense variant.
Genome position (GRCh38, 1-based): chr7:21,816,513, C>T. VCF-style: chr7-21816513-C-T. GRCh37 (hg19) VCF-style: chr7-21856131-C-T.
Other names: short protein forms T3460M.
Identifiers: ClinVar variation 1509421 (VCV001509421.8), dbSNP rs573384750, ClinGen allele CA4182349.

ClinVar aggregate classification (germline): Conflicting classifications of pathogenicity. Review status: criteria provided, conflicting classifications (1 of 4 stars). 2 submissions from 2 submitters: Uncertain significance (1); Benign (1). Last evaluated 2024-07-21.

Conditions:
Primary ciliary dyskinesia. Also called: Ciliary dyskinesia. Identifiers: Orphanet 244, MedGen C0008780, MONDO:0016575, HP:0012265.

Submissions (2):

Labcorp Genetics (formerly Invitae), Labcorp
Classification: Benign for Primary ciliary dyskinesia. Last evaluated: 2024-07-21. Review status: criteria provided, single submitter. Criteria: Invitae Variant Classification Sherloc (09022015). Collection method: clinical testing. Allele origin: germline.

Ambry Genetics
Classification: Uncertain significance for Primary ciliary dyskinesia. Last evaluated: 2017-02-07. Review status: criteria provided, single submitter. Criteria: Ambry Variant Classification Scheme 2023. Collection method: clinical testing. Allele origin: germline.
Comment: The p.T3460M variant (also known as c.10379C>T), located in coding exon 64 of the DNAH11 gene, results from a C to T substitution at nucleotide position 10379. The threonine at codon 3460 is replaced by methionine, an amino acid with similar properties. This amino acid position is well conserved in available vertebrate species. In addition, this alteration is predicted to be tolerated by in silico analysis. Since supporting evidence is limited at this time, the clinical significance of this alteration remains unclear.